The following is an entry in ClinVar:

NM_003024.3(ITSN1):c.5074A>G (p.Lys1692Glu)

Gene: ITSN1 (intersectin 1; plus strand). Cytogenetic location: 21q22.11.
Variant type: single nucleotide variant.
Coding change: c.5074A>G on transcript NM_003024.3 (MANE Select); coding-DNA position 5074, A replaced by G.
Protein change: p.Lys1692Glu; replaces lysine 1692 with glutamic acid.
Molecular consequence: missense variant.
Genome position (GRCh38, 1-based): chr21:33,888,208, A>G. VCF-style: chr21-33888208-A-G. GRCh37 (hg19) VCF-style: chr21-35260512-A-G.
Other names: c.5059A>G, p.Lys1687Glu (NM_001331010.2); short protein forms K1687E, K1692E.
Identifiers: ClinVar variation 4985749 (VCV004985749.1).

ClinVar aggregate classification (germline): Uncertain significance (1 of 4 stars; one submission).

Conditions:
ITSN1-related disorder. Also called: ITSN1-related condition.

gnomAD v4.1: 3 of 1,614,162 alleles (0.00019%); highest among the groups gnomAD compares: Admixed American, 0.005%; no homozygotes.

Submission:

PreventionGenetics, part of Exact Sciences
Classification: Uncertain significance for ITSN1-related condition. Last evaluated: 2026-07-08. Review status: criteria provided, single submitter. Criteria: ACMG Guidelines, 2015. Collection method: clinical testing. Allele origin: germline.
Comment: The ITSN1 c.5074A>G variant is predicted to result in the amino acid substitution p.Lys1692Glu. To our knowledge, this variant has not been reported in the literature or in a large population database (gnomAD), indicating this variant is rare. At this time, the clinical significance of this variant is uncertain due to the absence of conclusive functional and genetic evidence.